The following is an entry in ClinVar:

NM_005751.5(AKAP9):c.7454C>A (p.Ser2485Tyr)

Gene: AKAP9 (A-kinase anchoring protein 9; plus strand). Cytogenetic location: 7q21.2.
Variant type: single nucleotide variant.
Coding change: c.7454C>A on transcript NM_005751.5 (MANE Select); coding-DNA position 7454, C replaced by A.
Protein change: p.Ser2485Tyr; replaces serine 2485 with tyrosine.
Molecular consequence: missense variant.
Genome position (GRCh38, 1-based): chr7:92,079,587, C>A. VCF-style: chr7-92079587-C-A. GRCh37 (hg19) VCF-style: chr7-91708901-C-A.
Other names: c.2099C>A, p.Ser700Tyr (NM_001379277.1); c.7430C>A, p.Ser2477Tyr (NM_147185.3); short protein forms S2477Y, S2485Y, S700Y.
Identifiers: ClinVar variation 1022618 (VCV001022618.9), dbSNP rs373613868, ClinGen allele CA4337287.

ClinVar aggregate classification (germline): Conflicting classifications of pathogenicity. Review status: criteria provided, conflicting classifications (1 of 4 stars). 2 submissions from 2 submitters: Uncertain significance (1); Benign (1). Last evaluated 2025-09-07.

Conditions:
Cardiovascular phenotype. Identifiers: MedGen CN230736.
Long QT syndrome (LQTS). Identifiers: MedGen C0023976, MeSH D008133, MONDO:0002442. Disease mechanism: loss of function. Inheritance: Various modes of inheritance.

Allele frequency attached by ClinVar (database versions not stated): gnomAD exomes below 0.00001 and 0.00001; ExAC 0.00001; gnomAD 0.00007; ESP Exome Variant Server 0.00008; TOPMed 0.00008.
gnomAD v4.1: 14 of 1,613,676 alleles (0.00087%); highest among the groups gnomAD compares: African/African-American, 0.016%; no homozygotes.

Submissions (2):

Labcorp Genetics (formerly Invitae), Labcorp
Classification: Uncertain significance for Long QT syndrome. Last evaluated: 2025-09-07. Review status: criteria provided, single submitter. Criteria: Invitae Variant Classification Sherloc (09022015). Collection method: clinical testing. Allele origin: germline.
Comment: This sequence change replaces serine, which is neutral and polar, with tyrosine, which is neutral and polar, at codon 2485 of the AKAP9 protein (p.Ser2485Tyr). This variant is present in population databases (rs373613868, gnomAD 0.01%). This missense change has been observed in individual(s) with sudden unexplained death (PMID: 29247119). ClinVar contains an entry for this variant (Variation ID: 1022618). An algorithm developed to predict the effect of missense changes on protein structure and function (PolyPhen-2) suggests that this variant is likely to be disruptive. In summary, the available evidence is currently insufficient to determine the role of this variant in disease. Therefore, it has been classified as a Variant of Uncertain Significance.

Ambry Genetics
Classification: Benign for Cardiovascular phenotype. Last evaluated: 2025-06-09. Review status: criteria provided, single submitter. Criteria: Ambry Variant Classification Scheme 2023. Collection method: clinical testing. Allele origin: germline.

Literature cited by the submitters: PubMed 29247119 (cited by Labcorp Genetics (formerly Invitae), Labcorp).